The following is an entry in ClinVar:

ClinVar aggregate classification (germline): Uncertain significance (1 of 4 stars; one submission).

Conditions:
TTC21B-related disorder. Also called: TTC21B-related disorders; TTC21B-related condition.

Submission:

PreventionGenetics, part of Exact Sciences
Classification: Uncertain significance for TTC21B-related condition. Last evaluated: 2025-05-15. Review status: criteria provided, single submitter. Criteria: ACMG Guidelines, 2015. Collection method: clinical testing. Allele origin: germline.
Comment: The TTC21B c.1966G>A variant is predicted to result in the amino acid substitution p.Val656Ile. To our knowledge, this variant has not been reported in the literature or in a large population database (gnomAD), indicating this variant is rare. At this time, the clinical significance of this variant is uncertain due to the absence of conclusive functional and genetic evidence.

NM_024753.5(TTC21B):c.1966G>A (p.Val656Ile)

Gene: TTC21B (tetratricopeptide repeat domain 21B; minus strand). Cytogenetic location: 2q24.3.
Variant type: single nucleotide variant.
Coding change: c.1966G>A on transcript NM_024753.5 (MANE Select); coding-DNA position 1966, G replaced by A.
Protein change: p.Val656Ile; replaces valine 656 with isoleucine.
Molecular consequence: missense variant.
Genome position (GRCh38, 1-based): chr2:165,915,373, C>T on the plus strand (G>A on the coding strand, the complement: TTC21B is on the minus strand). VCF-style: chr2-165915373-C-T. GRCh37 (hg19) VCF-style: chr2-166771883-C-T.
Other names: short protein forms V656I.
Identifiers: ClinVar variation 5000892 (VCV005000892.1).